The following is an entry in ClinVar:

NM_012310.5(KIF4A):c.2008A>G (p.Lys670Glu)

Gene: KIF4A (kinesin family member 4A; plus strand). Cytogenetic location: Xq13.1.
Variant type: single nucleotide variant.
Coding change: c.2008A>G on transcript NM_012310.5 (MANE Select); coding-DNA position 2008, A replaced by G.
Protein change: p.Lys670Glu; replaces lysine 670 with glutamic acid.
Molecular consequence: missense variant.
Genome position (GRCh38, 1-based): chrX:70,376,184, A>G. VCF-style: chrX-70376184-A-G. GRCh37 (hg19) VCF-style: chrX-69596034-A-G.
Other names: short protein forms K670E.
Identifiers: ClinVar variation 4875122 (VCV004875122.2).

ClinVar aggregate classification (germline): Uncertain significance (1 of 4 stars; one submission).

Submission:

CeGaT Center for Human Genetics Tuebingen
Classification: Uncertain significance. Last evaluated: 2026-05-01. Review status: criteria provided, single submitter. Criteria: CeGaT Center For Human Genetics Tuebingen Variant Classification Criteria Version 2. Collection method: clinical testing. Allele origin: germline. Affected: yes. Observed: 1 variant allele.
Comment: KIF4A: PM2